The following is an entry in ClinVar:

ClinVar aggregate classification (germline): Pathogenic. Review status: criteria provided, multiple submitters, no conflicts (2 of 4 stars). 5 submissions from 5 submitters: Pathogenic (5). Last evaluated 2024-11-07.

Conditions:
PMM2-congenital disorder of glycosylation. Also called: PMM2-CDG; Congenital disorder of glycosylation, type Ia; CARBOHYDRATE-DEFICIENT GLYCOPROTEIN SYNDROME, TYPE Ia; JAEKEN SYNDROME; PHOSPHOMANNOMUTASE 2 DEFICIENCY; CDG Ia. Identifiers: Orphanet 79318, MedGen C0349653, MONDO:0008907, OMIM 212065.

Submissions (5):

Labcorp Genetics (formerly Invitae), Labcorp
Classification: Pathogenic for PMM2-congenital disorder of glycosylation. Last evaluated: 2024-11-07. Review status: criteria provided, single submitter. Criteria: Invitae Variant Classification Sherloc (09022015). Collection method: clinical testing. Allele origin: germline.
Comment: This sequence change creates a premature translational stop signal (p.Glu54Glyfs*6) in the PMM2 gene. It is expected to result in an absent or disrupted protein product. Loss-of-function variants in PMM2 are known to be pathogenic (PMID: 19862844). This variant is present in population databases (rs753122961, gnomAD 0.002%). This premature translational stop signal has been observed in individuals with congenital disorder of glycosylation type IA (PMID: 16941129, 17158594). It has also been observed to segregate with disease in related individuals. ClinVar contains an entry for this variant (Variation ID: 929131). For these reasons, this variant has been classified as Pathogenic.

Fulgent Genetics
Classification: Pathogenic for PMM2-congenital disorder of glycosylation. Last evaluated: 2024-05-19. Review status: criteria provided, single submitter. Criteria: ACMG Guidelines, 2015. Collection method: clinical testing. Allele origin: germline.

Baylor Genetics
Classification: Pathogenic for PMM2-congenital disorder of glycosylation. Last evaluated: 2023-12-16. Review status: criteria provided, single submitter. Criteria: ACMG Guidelines, 2015. Collection method: clinical testing. Allele origin: unknown.

GeneDx
Classification: Pathogenic. Last evaluated: 2023-01-20. Review status: criteria provided, single submitter. Criteria: GeneDx Variant Classification Process June 2021. Collection method: clinical testing. Allele origin: germline. Affected: yes.
Comment: Frameshift variant predicted to result in protein truncation or nonsense mediated decay in a gene for which loss of function is a known mechanism of disease; Not observed at significant frequency in large population cohorts (gnomAD); This variant is associated with the following publications: (PMID: 16941129, 17158594, 30577886)

Women's Health and Genetics/Laboratory Corporation of America, LabCorp
Classification: Pathogenic for Congenital disorder of glycosylation, type Ia. Last evaluated: 2019-04-22. Review status: criteria provided, single submitter. Criteria: LabCorp Variant Classification Summary - May 2015. Collection method: clinical testing. Allele origin: germline.
Comment: Variant summary: PMM2 c.160dupG (p.Glu54GlyfsX6) results in a premature termination codon, predicted to cause a truncation of the encoded protein or absence of the protein due to nonsense mediated decay, which are commonly known mechanisms for disease. The variant allele was found at a frequency of 4e-06 in 248504 control chromosomes. c.160dupG has been reported in the literature in individuals affected with Congenital Disorder of Glycosylation Type 1a (Wurm_2007, van de Kamp_2007). These data indicate that the variant may be associated with disease. At least one publication reports experimental evidence evaluating an impact on protein function. The most pronounced variant effect results in <10% of normal activity. No clinical diagnostic laboratories have submitted clinical-significance assessments for this variant to ClinVar after 2014. Based on the evidence outlined above, the variant was classified as pathogenic.

Literature cited by the submitters: PubMed 19862844 (cited by Labcorp Genetics (formerly Invitae), Labcorp); PubMed 16941129 (cited by Labcorp Genetics (formerly Invitae), Labcorp and Women's Health and Genetics/Laboratory Corporation of America, LabCorp); PubMed 17158594 (cited by Labcorp Genetics (formerly Invitae), Labcorp and Women's Health and Genetics/Laboratory Corporation of America, LabCorp).

NM_000303.3(PMM2):c.160dup (p.Glu54fs)

Gene: PMM2 (phosphomannomutase 2; plus strand). Cytogenetic location: 16p13.2.
Variant type: Duplication.
Coding change: c.160dup on transcript NM_000303.3 (MANE Select); coding-DNA position 160, one base duplicated (G; older notation c.160dupG).
Protein change: p.Glu54fs; shifts the reading frame from glutamic acid 54.
Molecular consequence: frameshift variant.
Genome position (GRCh38, 1-based): chr16:8,801,892, G duplicated; the last of 2 consecutive G bases (chr16:8,801,891-8,801,892); duplicating either gives the same sequence. VCF-style (leftmost placement, unchanged base first): chr16-8801890-A-AG. GRCh37 (hg19) VCF-style: chr16-8895747-A-AG.
Other names: short protein forms E54fs.
Identifiers: ClinVar variation 929131 (VCV000929131.13), dbSNP rs753122961, ClinGen allele CA7893910.
Genomic context (GRCh38, chr16:8,801,890, plus strand): 5'-AAAAATTGAGGCAGAAGATCAAAATCGGAGTGGTAGGCGGATCGGACTTTGAGAAAGTGC[A>AG]GGAGCAACTGGGAAATGATGGTAAATGATGGGTTGCTAATTACATCTGGTAAAAGATTAA-3'